The following is an entry in ClinVar:

ClinVar aggregate classification (germline): Uncertain significance (1 of 4 stars; one submission).

Conditions:
Combined immunodeficiency due to OX40 deficiency. Also called: OX40 DEFICIENCY; Immunodeficiency 16. Identifiers: Orphanet 431149, MedGen C3810053, MONDO:0014268, OMIM 615593.

Submission:

Labcorp Genetics (formerly Invitae), Labcorp
Classification: Uncertain significance for Combined immunodeficiency due to OX40 deficiency. Last evaluated: 2022-10-24. Review status: criteria provided, single submitter. Criteria: Invitae Variant Classification Sherloc (09022015). Collection method: clinical testing. Allele origin: germline.
Comment: This variant has not been reported in the literature in individuals affected with TNFRSF4-related conditions. Advanced modeling of protein sequence and biophysical properties (such as structural, functional, and spatial information, amino acid conservation, physicochemical variation, residue mobility, and thermodynamic stability) performed at Invitae indicates that this missense variant is not expected to disrupt TNFRSF4 protein function. In summary, the available evidence is currently insufficient to determine the role of this variant in disease. Therefore, it has been classified as a Variant of Uncertain Significance. This variant is not present in population databases (gnomAD no frequency). This sequence change replaces asparagine, which is neutral and polar, with serine, which is neutral and polar, at codon 138 of the TNFRSF4 protein (p.Asn138Ser).

NM_003327.4(TNFRSF4):c.413A>G (p.Asn138Ser)

Gene: TNFRSF4 (TNF receptor superfamily member 4; minus strand). Cytogenetic location: 1p36.33.
Variant type: single nucleotide variant.
Coding change: c.413A>G on transcript NM_003327.4 (MANE Select); coding-DNA position 413, A replaced by G.
Protein change: p.Asn138Ser; replaces asparagine 138 with serine.
Molecular consequence: missense variant.
Genome position (GRCh38, 1-based): chr1:1,212,662, T>C on the plus strand (A>G on the coding strand, the complement: TNFRSF4 is on the minus strand). VCF-style: chr1-1212662-T-C. GRCh37 (hg19) VCF-style: chr1-1148042-T-C.
Other names: c.413A>G, p.Asn138Ser (NM_001410709.1); short protein forms N138S.
Identifiers: ClinVar variation 2016689 (VCV002016689.4), dbSNP rs1236575072, ClinGen allele CA337800908.